The following is an entry in ClinVar:

NM_003803.4(MYOM1):c.4059C>G (p.Ile1353Met)

Gene: MYOM1 (myomesin 1; minus strand). Cytogenetic location: 18p11.31.
Variant type: single nucleotide variant.
Coding change: c.4059C>G on transcript NM_003803.4 (MANE Select); coding-DNA position 4059, C replaced by G.
Protein change: p.Ile1353Met; replaces isoleucine 1353 with methionine.
Molecular consequence: missense variant.
Genome position (GRCh38, 1-based): chr18:3,089,547, G>C on the plus strand (C>G on the coding strand, the complement: MYOM1 is on the minus strand). VCF-style: chr18-3089547-G-C. GRCh37 (hg19) VCF-style: chr18-3089545-G-C.
Other names: c.3771C>G, p.Ile1257Met (NM_019856.2); short protein forms I1257M, I1353M.
Identifiers: ClinVar variation 3298043 (VCV003298043.1).

ClinVar aggregate classification (germline): Uncertain significance (1 of 4 stars; one submission).

Submission:

Ambry Genetics
Classification: Uncertain significance. Last evaluated: 2024-05-26. Review status: criteria provided, single submitter. Criteria: Ambry Variant Classification Scheme 2023. Collection method: clinical testing. Allele origin: germline.
Comment: The p.I1353M variant (also known as c.4059C>G), located in coding exon 27 of the MYOM1 gene, results from a C to G substitution at nucleotide position 4059. The isoleucine at codon 1353 is replaced by methionine, an amino acid with highly similar properties. This amino acid position is conserved. In addition, this alteration is predicted to be tolerated by in silico analysis. Based on the available evidence, the clinical significance of this variant remains unclear.